The following is an entry in ClinVar:

ClinVar aggregate classification (germline): Uncertain significance (1 of 4 stars; one submission).

Submission:

Mayo Clinic Laboratories, Mayo Clinic
Classification: Uncertain significance. Last evaluated: 2025-11-11. Review status: criteria provided, single submitter. Criteria: ACMG Guidelines, 2015. Collection method: clinical testing. Allele origin: germline. Observed: 1 variant allele.
Comment: BP4_moderate, PM2_supporting

NM_000064.4(C3):c.1349G>A (p.Gly450Asp)

Gene: C3 (complement C3; minus strand). Cytogenetic location: 19p13.3.
Variant type: single nucleotide variant.
Coding change: c.1349G>A on transcript NM_000064.4 (MANE Select); coding-DNA position 1349, G replaced by A.
Protein change: p.Gly450Asp; replaces glycine 450 with aspartic acid.
Molecular consequence: missense variant.
Genome position (GRCh38, 1-based): chr19:6,711,117, C>T on the plus strand (G>A on the coding strand, the complement: C3 is on the minus strand). VCF-style: chr19-6711117-C-T. GRCh37 (hg19) VCF-style: chr19-6711128-C-T.
Other names: p.Gly450Asp; short protein forms G450D.
Identifiers: ClinVar variation 4542292 (VCV004542292.1).